The following is an entry in ClinVar:

NM_032130.3(FAM186B):c.2257A>G (p.Ile753Val)

Gene: FAM186B (family with sequence similarity 186 member B; minus strand). Cytogenetic location: 12q13.12.
Variant type: single nucleotide variant.
Coding change: c.2257A>G on transcript NM_032130.3 (MANE Select); coding-DNA position 2257, A replaced by G.
Protein change: p.Ile753Val; replaces isoleucine 753 with valine.
Molecular consequence: missense variant. On other transcripts: non-coding transcript variant (1).
Genome position (GRCh38, 1-based): chr12:49,598,862, T>C on the plus strand (A>G on the coding strand, the complement: FAM186B is on the minus strand). VCF-style: chr12-49598862-T-C. GRCh37 (hg19) VCF-style: chr12-49992645-T-C.
Other names: short protein forms I753V.
Identifiers: ClinVar variation 4798051 (VCV004798051.1).
Genomic context (GRCh38, chr12:49,598,862, plus strand): 5'-CCTCCAGCCCCTTCTGCTTGTCCGTCCAGGCCTGCAGCCTGAGACTCTGCAGGCGGTCAA[T>C]GTTTTCCAGGAAGATGTAGAGGTTCTGGGCCTTGTAGGAAGCCTCCGTTTCTTTCATGAT-3'
Protein context (NP_115506.1, residues 743-763): AQNLYIFLEN[Ile753Val]DRLQSLRLQA

ClinVar aggregate classification (germline): Uncertain significance (1 of 4 stars; one submission).

Submission:

Labcorp Genetics (formerly Invitae), Labcorp
Classification: Uncertain significance. Last evaluated: 2025-10-17. Review status: criteria provided, single submitter. Criteria: Invitae Variant Classification Sherloc (09022015). Collection method: clinical testing. Allele origin: germline.
Comment: This sequence change replaces isoleucine, which is neutral and non-polar, with valine, which is neutral and non-polar, at codon 753 of the FAM186B protein (p.Ile753Val). This variant is not present in population databases (gnomAD no frequency). This variant has not been reported in the literature in individuals affected with FAM186B-related conditions. An algorithm developed to predict the effect of missense changes on protein structure and function outputs the following: PolyPhen-2: "Benign". The valine amino acid residue is found in multiple mammalian species, which suggests that this missense change does not adversely affect protein function. In summary, the available evidence is currently insufficient to determine the role of this variant in disease. Therefore, it has been classified as a Variant of Uncertain Significance.